The following is an entry in ClinVar:

ClinVar aggregate classification (germline): Uncertain significance (1 of 4 stars; one submission).

gnomAD v4.1: 1 of 1,614,130 alleles (0.000062%); highest among the groups gnomAD compares: Non-Finnish European, 0.000085%; no homozygotes.

Submission:

Labcorp Genetics (formerly Invitae), Labcorp
Classification: Uncertain significance. Last evaluated: 2024-06-10. Review status: criteria provided, single submitter. Criteria: Invitae Variant Classification Sherloc (09022015). Collection method: clinical testing. Allele origin: germline.
Comment: This sequence change replaces glycine, which is neutral and non-polar, with aspartic acid, which is acidic and polar, at codon 500 of the COL4A4 protein (p.Gly500Asp). This variant is present in population databases (no rsID available, gnomAD 0.0009%). This variant has not been reported in the literature in individuals affected with COL4A4-related conditions. Advanced modeling of protein sequence and biophysical properties (such as structural, functional, and spatial information, amino acid conservation, physicochemical variation, residue mobility, and thermodynamic stability) performed at Invitae indicates that this missense variant is expected to disrupt COL4A4 protein function with a positive predictive value of 95%. In summary, the available evidence is currently insufficient to determine the role of this variant in disease. Therefore, it has been classified as a Variant of Uncertain Significance.

NM_000092.5(COL4A4):c.1499G>A (p.Gly500Asp)

Gene: COL4A4 (collagen type IV alpha 4 chain; minus strand). Cytogenetic location: 2q36.3.
Variant type: single nucleotide variant.
Coding change: c.1499G>A on transcript NM_000092.5 (MANE Select); coding-DNA position 1499, G replaced by A.
Protein change: p.Gly500Asp; replaces glycine 500 with aspartic acid.
Molecular consequence: missense variant.
Genome position (GRCh38, 1-based): chr2:227,088,777, C>T on the plus strand (G>A on the coding strand, the complement: COL4A4 is on the minus strand). VCF-style: chr2-227088777-C-T. GRCh37 (hg19) VCF-style: chr2-227953493-C-T.
Other names: short protein forms G500D.
Identifiers: ClinVar variation 3720080 (VCV003720080.2).
Genomic context (GRCh38, chr2:227,088,777, plus strand): 5'-GGGAGCCCCAAGTCTCCCTTACTCCCCTGCCTCCCAGGAAGTCCTGGAGGGCCAGGGGGG[C>T]CCATGGGTCCAGGCTCACAGGCACAGAGTCCTTCATTTCCTAGACAGAGGATCAATGGCA-3'
Protein context (NP_000083.3, residues 490-510): GLCACEPGPM[Gly500Asp]PPGPPGLPGR